The following is an entry in ClinVar:

ClinVar aggregate classification (germline): Conflicting classifications of pathogenicity. Review status: criteria provided, conflicting classifications (1 of 4 stars). 3 submissions from 3 submitters: Pathogenic (1); Uncertain significance (1). 1 of the submissions does not count toward it. Last evaluated 2018-03-09.

Conditions:
Hartsfield-Bixler-Demyer syndrome (HRTFDS). Also called: FGFR1-Related Hartsfield Syndrome; Holoprosencephaly, ectrodactyly, and bilateral cleft lip/palate; Hartsfield syndrome. Identifiers: Orphanet 2117, MedGen C1845146, MONDO:0014196, OMIM 615465. Disease mechanism: loss of function.

Submissions (3):

Muenke lab, National Institutes of Health
Classification: Pathogenic for Hartsfield-Bixler-Demyer syndrome. Last evaluated: 2018-03-09. Review status: criteria provided, single submitter. Criteria: Submitter's publication. Collection method: research. Allele origin: not applicable. Inheritance: Autosomal dominant inheritance.
Comment: Kinase domain; interferes with kinase activity of receptor dimers.

Baylor Genetics
Classification: Uncertain significance for Hartsfield-Bixler-Demyer syndrome. Last evaluated: 2017-09-01. Review status: criteria provided, single submitter. Criteria: ACMG Guidelines, 2015. Collection method: clinical testing. Allele origin: de novo. Inheritance: Autosomal unknown. Affected: yes.

GeneReviews
No classification provided. Condition: Hartsfield-Bixler-Demyer syndrome. Review status: no classification provided. Collection method: literature only. Allele origin: germline. Affected: yes. Not counted in ClinVar's aggregate classification.

Literature cited by the submitters: PubMed 25326635 (cited by Baylor Genetics); PubMed 24888332 (cited by GeneReviews); NCBI Bookshelf NBK349073 (cited by GeneReviews).

NM_023110.3(FGFR1):c.1880G>C (p.Arg627Thr)

Gene: FGFR1 (fibroblast growth factor receptor 1; minus strand). Cytogenetic location: 8p11.23.
Variant type: single nucleotide variant.
Coding change: c.1880G>C on transcript NM_023110.3 (MANE Select); coding-DNA position 1880, G replaced by C.
Protein change: p.Arg627Thr; replaces arginine 627 with threonine.
Molecular consequence: missense variant.
Genome position (GRCh38, 1-based): chr8:38,414,876, C>G on the plus strand (G>C on the coding strand, the complement: FGFR1 is on the minus strand). VCF-style: chr8-38414876-C-G. GRCh37 (hg19) VCF-style: chr8-38272394-C-G.
Other names: c.1874G>C, p.Arg625Thr (NM_001174063.2, NM_001174065.2, NM_001354367.2 and 1 more transcripts); c.1850G>C, p.Arg617Thr (NM_001174064.2); c.1613G>C, p.Arg538Thr (NM_001174066.2, NM_023105.3); c.1973G>C, p.Arg658Thr (NM_001174067.2); c.1601G>C, p.Arg534Thr (NM_001354368.2); c.1868G>C, p.Arg623Thr (NM_001354369.2); c.1607G>C, p.Arg536Thr (NM_001354370.2, NM_023106.3); short protein forms R538T, R617T, R623T, R625T, R658T, R534T, R536T.
Identifiers: ClinVar variation 223245 (VCV000223245.8), dbSNP rs869025671, ClinGen allele CA357148.